The following is an entry in ClinVar:

ClinVar aggregate classification (germline): Uncertain significance (1 of 4 stars; one submission).

Conditions:
Combined immunodeficiency due to DOCK8 deficiency (HIES2). Also called: HIES autosomal recessive; Hyper-IgE recurrent infection syndrome, autosomal recessive; HYPER-IgE SYNDROME 2, AUTOSOMAL RECESSIVE, WITH RECURRENT INFECTIONS; DOCK8 Deficiency; HYPER-IgE RECURRENT INFECTION SYNDROME 2, AUTOSOMAL RECESSIVE. Identifiers: Orphanet 217390, MedGen C4722305, MONDO:0009478, OMIM 243700.

Submission:

Labcorp Genetics (formerly Invitae), Labcorp
Classification: Uncertain significance for Combined immunodeficiency due to DOCK8 deficiency. Last evaluated: 2024-02-17. Review status: criteria provided, single submitter. Criteria: Invitae Variant Classification Sherloc (09022015). Collection method: clinical testing. Allele origin: germline.
Comment: This sequence change replaces glutamic acid, which is acidic and polar, with glycine, which is neutral and non-polar, at codon 1422 of the DOCK8 protein (p.Glu1422Gly). This variant is not present in population databases (gnomAD no frequency). This variant has not been reported in the literature in individuals affected with DOCK8-related conditions. ClinVar contains an entry for this variant (Variation ID: 1347316). Advanced modeling of protein sequence and biophysical properties (such as structural, functional, and spatial information, amino acid conservation, physicochemical variation, residue mobility, and thermodynamic stability) performed at Invitae indicates that this missense variant is expected to disrupt DOCK8 protein function with a positive predictive value of 80%. In summary, the available evidence is currently insufficient to determine the role of this variant in disease. Therefore, it has been classified as a Variant of Uncertain Significance.

NM_203447.4(DOCK8):c.4265A>G (p.Glu1422Gly)

Gene: DOCK8 (dedicator of cytokinesis 8; plus strand). Cytogenetic location: 9p24.3.
Variant type: single nucleotide variant.
Coding change: c.4265A>G on transcript NM_203447.4 (MANE Select); coding-DNA position 4265, A replaced by G.
Protein change: p.Glu1422Gly; replaces glutamic acid 1422 with glycine.
Molecular consequence: missense variant.
Genome position (GRCh38, 1-based): chr9:426,908, A>G. VCF-style: chr9-426908-A-G. GRCh37 (hg19) VCF-style: chr9-426908-A-G.
Other names: c.3965A>G, p.Glu1322Gly (NM_001190458.2); c.4061A>G, p.Glu1354Gly (NM_001193536.2); short protein forms E1322G, E1354G, E1422G.
Identifiers: ClinVar variation 1347316 (VCV001347316.8), dbSNP rs2131692679, ClinGen allele CA372765752.